The following is an entry in ClinVar:

ClinVar aggregate classification (germline): Benign/Likely benign. Review status: criteria provided, multiple submitters, no conflicts (2 of 4 stars). 3 submissions from 3 submitters: Benign (2); Likely benign (1). Last evaluated 2025-12-17.

Conditions:
RYR1-related disorder. Also called: RYR1-related condition; RYR1-related disorders. Identifiers: MedGen CN239331.

Allele frequency attached by ClinVar (database versions not stated): gnomAD 0.00010; TOPMed 0.00010; gnomAD exomes 0.00011 and 0.00012; ExAC 0.00014; ESP Exome Variant Server 0.00015.
gnomAD v4.1: 182 of 1,596,256 alleles (0.011%); highest among the groups gnomAD compares: South Asian, 0.026%; 1 homozygote.

Submissions (3):

Labcorp Genetics (formerly Invitae), Labcorp
Classification: Benign for RYR1-related disorder. Last evaluated: 2025-12-17. Review status: criteria provided, single submitter. Criteria: Invitae Variant Classification Sherloc (09022015). Collection method: clinical testing. Allele origin: germline.

Blueprint Genetics
Classification: Likely benign. Last evaluated: 2024-07-29. Review status: criteria provided, single submitter. Criteria: ACMG Guidelines, 2015. Collection method: clinical testing. Allele origin: germline.

Women's Health and Genetics/Laboratory Corporation of America, LabCorp
Classification: Benign. Last evaluated: 2023-09-27. Review status: criteria provided, single submitter. Criteria: LabCorp Variant Classification Summary - May 2015. Collection method: clinical testing. Allele origin: germline.
Comment: Variant summary: RYR1 c.2786+20G>A alters a non-conserved nucleotide located at a position not widely known to affect splicing. Consensus agreement among computation tools predict no significant impact on normal splicing. However, these predictions have yet to be confirmed by functional studies. The variant allele was found at a frequency of 0.00012 in 248296 control chromosomes in the gnomAD database, including 1 homozygotes. The observed variant frequency is approximately 1.33 fold of the estimated maximal expected allele frequency for a pathogenic variant in RYR1 causing Malignant Hyperthermia Susceptibility phenotype (8.8e-05), strongly suggesting that the variant is benign. To our knowledge, no occurrence of c.2786+20G>A in individuals affected with Malignant Hyperthermia Susceptibility and no experimental evidence demonstrating its impact on protein function have been reported. One submitter has cited clinical-significance assessments for this variant to ClinVar after 2014 and has classified the variant as benign. Based on the evidence outlined above, the variant was classified as benign.

NM_000540.3(RYR1):c.2786+20G>A

Gene: RYR1 (ryanodine receptor 1; plus strand). Cytogenetic location: 19q13.2.
Variant type: single nucleotide variant.
Coding change: c.2786+20G>A on transcript NM_000540.3 (MANE Select); 20 bases into the intron after coding-DNA position 2786, G replaced by A.
Molecular consequence: intron variant.
Genome position (GRCh38, 1-based): chr19:38,463,870, G>A. VCF-style: chr19-38463870-G-A. GRCh37 (hg19) VCF-style: chr19-38954510-G-A.
Other names: c.2786+20G>A (NM_001042723.2, NM_000540.2).
Identifiers: ClinVar variation 1599493 (VCV001599493.10), dbSNP rs71337552, ClinGen allele CA063958.